The following is an entry in ClinVar:

NM_001040108.2(MLH3):c.601C>G (p.Leu201Val)

Gene: MLH3 (mutL homolog 3; minus strand). Cytogenetic location: 14q24.3.
Variant type: single nucleotide variant.
Coding change: c.601C>G on transcript NM_001040108.2 (MANE Select); coding-DNA position 601, C replaced by G.
Protein change: p.Leu201Val; replaces leucine 201 with valine.
Molecular consequence: missense variant.
Genome position (GRCh38, 1-based): chr14:75,049,055, G>C on the plus strand (C>G on the coding strand, the complement: MLH3 is on the minus strand). VCF-style: chr14-75049055-G-C. GRCh37 (hg19) VCF-style: chr14-75515758-G-C.
Other names: c.601C>G, p.Leu201Val (NM_014381.3); short protein forms L201V.
Identifiers: ClinVar variation 3232585 (VCV003232585.1), dbSNP rs2139602640, ClinGen allele CA390449804.

ClinVar aggregate classification (germline): Uncertain significance (1 of 4 stars; one submission).

Submission:

Ambry Genetics
Classification: Uncertain significance. Last evaluated: 2023-11-14. Review status: criteria provided, single submitter. Criteria: Ambry Variant Classification Scheme 2023. Collection method: clinical testing. Allele origin: germline.
Comment: The p.L201V variant (also known as c.601C>G), located in coding exon 1 of the MLH3 gene, results from a C to G substitution at nucleotide position 601. The leucine at codon 201 is replaced by valine, an amino acid with highly similar properties. This amino acid position is conserved. In addition, this alteration is predicted to be tolerated by in silico analysis. Since supporting evidence is limited at this time, the clinical significance of this alteration remains unclear.